The following is an entry in ClinVar:

ClinVar aggregate classification (germline): Uncertain significance (1 of 4 stars; one submission).

gnomAD v4.1: 1 of 1,612,778 alleles (0.000062%); no homozygotes.

Submission:

Labcorp Genetics (formerly Invitae), Labcorp
Classification: Uncertain significance. Last evaluated: 2025-04-28. Review status: criteria provided, single submitter. Criteria: Invitae Variant Classification Sherloc (09022015). Collection method: clinical testing. Allele origin: germline.
Comment: This sequence change replaces valine, which is neutral and non-polar, with alanine, which is neutral and non-polar, at codon 116 of the NDUFA11 protein (p.Val116Ala). This variant is not present in population databases (gnomAD no frequency). This variant has not been reported in the literature in individuals affected with NDUFA11-related conditions. ClinVar contains an entry for this variant (Variation ID: 1949260). An algorithm developed to predict the effect of missense changes on protein structure and function (PolyPhen-2) suggests that this variant is likely to be tolerated. In summary, the available evidence is currently insufficient to determine the role of this variant in disease. Therefore, it has been classified as a Variant of Uncertain Significance.

NM_175614.5(NDUFA11):c.347T>C (p.Val116Ala)

Gene: NDUFA11 (NADH:ubiquinone oxidoreductase subunit A11; minus strand). Cytogenetic location: 19p13.3.
Variant type: single nucleotide variant.
Coding change: c.347T>C on transcript NM_175614.5 (MANE Select); coding-DNA position 347, T replaced by C.
Protein change: p.Val116Ala; replaces valine 116 with alanine.
Molecular consequence: missense variant. On other transcripts: non-coding transcript variant (1), intron variant (1).
Genome position (GRCh38, 1-based): chr19:5,894,821, A>G on the plus strand (T>C on the coding strand, the complement: NDUFA11 is on the minus strand). VCF-style: chr19-5894821-A-G. GRCh37 (hg19) VCF-style: chr19-5894832-A-G.
Other names: c.314-1531T>C (NM_001193375.3); short protein forms V116A.
Identifiers: ClinVar variation 1949260 (VCV001949260.5), dbSNP rs1318778118, ClinGen allele CA403538260.
Genomic context (GRCh38, chr19:5,894,821, plus strand): 5'-AACACCTCCCAGCCCTCCAGCCGGCCCATCTTGACCAGGGAGGCCGCTATGCCAAAGTAC[A>G]CGCAGGCGGCGGCGCCAATCCCGTAGTTGTGCGCTGTGGGAGTGGGGAGGTGATGTCAGG-3'
Protein context (NP_783313.1, residues 106-126): HNYGIGAAAC[Val116Ala]YFGIAASLVK